The following is an entry in ClinVar:

ClinVar aggregate classification (germline): Pathogenic. Review status: criteria provided, multiple submitters, no conflicts (2 of 4 stars). 3 submissions from 3 submitters: Pathogenic (2). 1 of the submissions does not count toward it. Last evaluated 2024-06-18.

Conditions:
Hereditary cancer-predisposing syndrome. Also called: Hereditary Cancer Syndrome; Hereditary neoplastic syndrome; Neoplastic Syndromes, Hereditary; Tumor predisposition. Identifiers: Orphanet 140162, MedGen C0027672, MeSH D009386, MONDO:0015356.
Familial cancer of breast. Also called: BREAST CANCER, FAMILIAL; Hereditary breast cancer; hereditary breast carcinoma. Identifiers: Orphanet 227535, MedGen C0346153, MONDO:0016419, OMIM 114480. Disease mechanism: loss of function.

Submissions (3):

GeneDx
Classification: Pathogenic. Last evaluated: 2024-06-18. Review status: criteria provided, single submitter. Criteria: GeneDx Variant Classification Process June 2021. Collection method: clinical testing. Allele origin: germline. Affected: yes.
Comment: Frameshift variant predicted to result in protein truncation or nonsense mediated decay in a gene for which loss of function is a known mechanism of disease; Truncating variants in this gene are considered pathogenic by a well-established clinical consortium and/or database; Not observed at significant frequency in large population cohorts (gnomAD); Also known as 912del; This variant is associated with the following publications: (PMID: 35918668, 38167124)

Color Diagnostics, LLC DBA Color Health
Classification: Pathogenic for Hereditary cancer-predisposing syndrome. Last evaluated: 2021-07-06. Review status: criteria provided, single submitter. Criteria: ACMG Guidelines, 2015. Collection method: clinical testing. Allele origin: germline.
Comment: This variant deletes 1 nucleotide in exon 9 of the BRCA2 gene, creating a premature translation stop signal. This variant is expected to result in an absent or non-functional protein product. To our knowledge, this variant has not been reported in individuals affected with hereditary cancer in the literature. This variant has not been identified in the general population by the Genome Aggregation Database (gnomAD). Loss of BRCA2 function is a known mechanism of disease. Based on the available evidence, this variant is classified as Pathogenic.

Center for Precision Medicine, Meizhou People's Hospital
Classification: Pathogenic for Familial cancer of breast. Review status: no assertion criteria provided. Collection method: clinical testing. Allele origin: germline. Affected: yes. Not counted in ClinVar's aggregate classification.

NM_000059.4(BRCA2):c.684del (p.Asn228fs)

Gene: BRCA2 (BRCA2 DNA repair associated; plus strand). Cytogenetic location: 13q13.1.
Variant type: Deletion.
Coding change: c.684del on transcript NM_000059.4 (MANE Select); coding-DNA position 684, one base deleted (T; older notation c.684delT).
Protein change: p.Asn228fs; shifts the reading frame from asparagine 228.
Molecular consequence: frameshift variant.
Genome position (GRCh38, 1-based): chr13:32,330,921, T deleted. VCF-style (leftmost placement, unchanged base first): chr13-32330920-AT-A. GRCh37 (hg19) VCF-style: chr13-32905057-AT-A.
Other names: c.684del (NM_000059.3); short protein forms N228fs.
Identifiers: ClinVar variation 1687142 (VCV001687142.5), dbSNP rs2137461104, ClinGen allele CA2573149301.